The following is an entry in ClinVar:

ClinVar aggregate classification (germline): Uncertain significance. Review status: criteria provided, multiple submitters, no conflicts (2 of 4 stars). 5 submissions from 5 submitters: Uncertain significance (5). Last evaluated 2026-06-24.

Conditions:
MYH6-related disorder. Also called: MYH6-Related Disorders; MYH6-related condition.
Cardiovascular phenotype. Identifiers: MedGen CN230736.
Hypertrophic cardiomyopathy 14. Identifiers: MedGen C2750467, MONDO:0013197, OMIM 613251.

Allele frequency attached by ClinVar (database versions not stated): TOPMed 0.00004; gnomAD 0.00006; gnomAD exomes 0.00006; ExAC 0.00008.
gnomAD v4.1: 99 of 1,613,868 alleles (0.0061%); highest among the groups gnomAD compares: Non-Finnish European, 0.0069%; no homozygotes.

Submissions (5):

PreventionGenetics, part of Exact Sciences
Classification: Uncertain significance for MYH6-related condition. Last evaluated: 2026-06-24. Review status: criteria provided, single submitter. Criteria: ACMG Guidelines, 2015. Collection method: clinical testing. Allele origin: germline.
Comment: The MYH6 c.2113C>T variant is predicted to result in the amino acid substitution p.Arg705Cys. This variant was reported in an individual with dilated cardiomyopathy. This individual also harbored a nonsense TTN variant (Table S4, Verdonschot et al. 2020. PubMed ID: 32880476). This variant is reported in 0.0098% of alleles in individuals of South Asian descent in gnomAD. At this time, the clinical significance of this variant is uncertain due to the absence of conclusive functional and genetic evidence.

Labcorp Genetics (formerly Invitae), Labcorp
Classification: Uncertain significance for Hypertrophic cardiomyopathy 14. Last evaluated: 2025-12-08. Review status: criteria provided, single submitter. Criteria: Invitae Variant Classification Sherloc (09022015). Collection method: clinical testing. Allele origin: germline.
Comment: This sequence change replaces arginine, which is basic and polar, with cysteine, which is neutral and slightly polar, at codon 705 of the MYH6 protein (p.Arg705Cys). This variant is present in population databases (rs767124357, gnomAD 0.01%). This missense change has been observed in individual(s) with dilated cardiomyopathy (PMID: 32880476). ClinVar contains an entry for this variant (Variation ID: 407146). Invitae Evidence Modeling of protein sequence and biophysical properties (such as structural, functional, and spatial information, amino acid conservation, physicochemical variation, residue mobility, and thermodynamic stability) indicates that this missense variant is expected to disrupt MYH6 protein function with a positive predictive value of 80%. In summary, the available evidence is currently insufficient to determine the role of this variant in disease. Therefore, it has been classified as a Variant of Uncertain Significance.

Ambry Genetics
Classification: Uncertain significance for Cardiovascular phenotype. Last evaluated: 2024-10-29. Review status: criteria provided, single submitter. Criteria: Ambry Variant Classification Scheme 2023. Collection method: clinical testing. Allele origin: germline.
Comment: The p.R705C variant (also known as c.2113C>T), located in coding exon 16 of the MYH6 gene, results from a C to T substitution at nucleotide position 2113. The arginine at codon 705 is replaced by cysteine, an amino acid with highly dissimilar properties. This amino acid position is highly conserved in available vertebrate species. In addition, this alteration is predicted to be deleterious by in silico analysis. Based on the available evidence, the clinical significance of this variant remains unclear.

CeGaT Center for Human Genetics Tuebingen
Classification: Uncertain significance. Last evaluated: 2024-07-01. Review status: criteria provided, single submitter. Criteria: CeGaT Center For Human Genetics Tuebingen Variant Classification Criteria Version 2. Collection method: clinical testing. Allele origin: germline. Affected: yes. Observed: 1 variant allele.
Comment: MYH6: PP3

GeneDx
Classification: Uncertain significance. Last evaluated: 2019-06-06. Review status: criteria provided, single submitter. Criteria: GeneDx Variant Classification Process June 2021. Collection method: clinical testing. Allele origin: germline. Affected: yes.
Comment: Has not been previously published as pathogenic or benign to our knowledge; Reported in ClinVar as a variant of uncertain significance but additional evidence is not available (ClinVar Variant ID# 407146; Landrum et al., 2016); In silico analysis, which includes protein predictors and evolutionary conservation, supports a deleterious effect; This variant is associated with the following publications: (PMID: 32880476)

Literature cited by the submitters: PubMed 32880476 (cited by Labcorp Genetics (formerly Invitae), Labcorp).

NM_002471.4(MYH6):c.2113C>T (p.Arg705Cys)

Gene: MYH6 (myosin heavy chain 6; minus strand). Cytogenetic location: 14q11.2.
Variant type: single nucleotide variant.
Coding change: c.2113C>T on transcript NM_002471.4 (MANE Select); coding-DNA position 2113, C replaced by T.
Protein change: p.Arg705Cys; replaces arginine 705 with cysteine.
Molecular consequence: missense variant.
Genome position (GRCh38, 1-based): chr14:23,397,018, G>A on the plus strand (C>T on the coding strand, the complement: MYH6 is on the minus strand). VCF-style: chr14-23397018-G-A. GRCh37 (hg19) VCF-style: chr14-23866227-G-A.
Other names: short protein forms R705C.
Identifiers: ClinVar variation 407146 (VCV000407146.29), dbSNP rs767124357, ClinGen allele CA7115588.